The following is an entry in ClinVar:

NM_033068.3(ACP4):c.549+7A>G

Gene: ACP4 (acid phosphatase 4; plus strand). Cytogenetic location: 19q13.33.
Variant type: single nucleotide variant.
Coding change: c.549+7A>G on transcript NM_033068.3 (MANE Select); 7 bases into the intron after coding-DNA position 549, A replaced by G.
Molecular consequence: intron variant.
Genome position (GRCh38, 1-based): chr19:50,792,178, A>G. VCF-style: chr19-50792178-A-G. GRCh37 (hg19) VCF-style: chr19-51295435-A-G.
Identifiers: ClinVar variation 3053842 (VCV003053842.2), dbSNP rs374772444, ClinGen allele CA9603029.

ClinVar aggregate classification (germline): Likely benign (0 of 4 stars; one submission).

Conditions:
ACP4-related disorder. Also called: ACP4-related condition.

Allele frequency attached by ClinVar (database versions not stated): gnomAD exomes 0.00003; ExAC 0.00008; gnomAD 0.00027; ESP Exome Variant Server 0.00031; TOPMed 0.00037.
gnomAD v4.1: 87 of 1,610,268 alleles (0.0054%); highest among the groups gnomAD compares: African/African-American, 0.1%; no homozygotes.

Submission:

PreventionGenetics, part of Exact Sciences
Classification: Likely benign for ACP4-related condition. Last evaluated: 2019-08-29. Review status: no assertion criteria provided. Collection method: clinical testing. Allele origin: germline.
Comment: This variant is classified as likely benign based on ACMG/AMP sequence variant interpretation guidelines (Richards et al. 2015 PMID: 25741868, with internal and published modifications).